The following is an entry in ClinVar:

ClinVar aggregate classification (germline): Pathogenic/Likely pathogenic. Review status: criteria provided, multiple submitters, no conflicts (2 of 4 stars). 19 submissions from 19 submitters: Pathogenic (14); Likely pathogenic (2). 3 of the submissions do not count toward it. Last evaluated 2026-07-05.

Conditions:
ANKRD11-related disorder. Also called: ANKRD11-related condition.
KBG syndrome (KBGS). Also called: ANKRD11-Related KBG Syndrome. Identifiers: Orphanet 2332, MedGen C0220687, MONDO:0007846, OMIM 148050.
Inborn genetic diseases. Identifiers: MedGen C0950123, MeSH D030342.

Submissions (19):

Umrani?ye Training and Research Hospital
Classification: Pathogenic for KBG syndrome. Last evaluated: 2026-07-05. Review status: criteria provided, single submitter. Criteria: ACMG Guidelines, 2015. Collection method: clinical testing. Allele origin: germline. Inheritance: Autosomal dominant inheritance. Affected: yes.
Comment: PVS1, PM2

Laboratory of Medical Genetics, University of Torino
Classification: Pathogenic for KBG syndrome. Last evaluated: 2026-06-29. Review status: criteria provided, single submitter. Criteria: ACMG Guidelines, 2015. Collection method: clinical testing. Allele origin: paternal. Affected: yes.

Clinical Genomics Laboratory, Washington University in St. Louis
Classification: Pathogenic for KBG syndrome. Last evaluated: 2025-10-20. Review status: criteria provided, single submitter. Criteria: ACMG Guidelines, 2015. Collection method: clinical testing. Allele origin: germline. Affected: yes.
Comment: The ANKRD11 c.2175_2178del (p.Asn725Lysfs*23) variant has been reported in at least three individuals affected with KBG syndrome and one individual with autism (Digilio MC et al., PMID: 34971082; Guo L et al., PMID: 35970914; Wang T et al., PMID: 27824329). This variant is only observed in 1/250,432 alleles in the general population (gnomAD v2.1.1), indicating it is not a common variant. This variant causes a frameshift by deleting four nucleotides, leading to a premature termination codon, which is predicted to lead to nonsense mediated decay. This variant has been reported in the ClinVar database as a germline pathogenic variant by 12 submitters or likely pathogenic variant by three submitters. Based on available information and the ACMG/AMP guidelines for variant interpretation (Richards S et al., PMID: 25741868), this variant is classified as pathogenic.

Labcorp Genetics (formerly Invitae), Labcorp
Classification: Pathogenic for KBG syndrome. Last evaluated: 2025-08-12. Review status: criteria provided, single submitter. Criteria: Invitae Variant Classification Sherloc (09022015). Collection method: clinical testing. Allele origin: germline.
Comment: This sequence change creates a premature translational stop signal (p.Asn725Lysfs*23) in the ANKRD11 gene. It is expected to result in an absent or disrupted protein product. Loss-of-function variants in ANKRD11 are known to be pathogenic (PMID: 21782149, 25125236, 25413698, 25652421). This variant is present in population databases (no rsID available, gnomAD 0.003%). This premature translational stop signal has been observed in individual(s) with autism spectrum disorder (PMID: 27824329). ClinVar contains an entry for this variant (Variation ID: 265689). For these reasons, this variant has been classified as Pathogenic.

3billion
Classification: Pathogenic for KBG syndrome. Last evaluated: 2025-04-10. Review status: criteria provided, single submitter. Criteria: ACMG Guidelines, 2015. Collection method: clinical testing. Allele origin: germline. Affected: yes.
Comment: The variant is observed at an extremely low frequency in the gnomAD v4.1.0 dataset (total allele frequency: <0.001%). Predicted Consequence/Location: Frameshift: predicted to result in a loss or disruption of normal protein function through nonsense-mediated decay (NMD) or protein truncation. Multiple pathogenic variants are reported downstream of the variant. The variant has been reported at least twice as pathogenic with clinical assertions and evidence for the classification (ClinVar ID: VCV000265689 / 3billion dataset). Therefore, this variant is classified as Pathogenic according to the recommendation of ACMG/AMP guideline.

Ambry Genetics
Classification: Pathogenic for Inborn genetic diseases. Last evaluated: 2024-08-01. Review status: criteria provided, single submitter. Criteria: Ambry Variant Classification Scheme 2023. Collection method: clinical testing. Allele origin: germline.
Comment: The c.2175_2178delCAAA (p.N725Kfs*23) alteration, located in exon 9 (coding exon 7) of the ANKRD11 gene, consists of a deletion of 4 nucleotides from position 2175 to 2178, causing a translational frameshift with a predicted alternate stop codon after 23 amino acids. This alteration is expected to result in loss of function by premature protein truncation or nonsense-mediated mRNA decay. Based on data from gnomAD, this variant has an overall frequency of <0.001% (1/250432) total alleles studied. The highest observed frequency was 0.003% (1/34556) of Latino alleles. This variant has been determined to be the result of a de novo mutation in multiple individuals from KBG syndrome cohorts (Digilio, 2022; Guo, 2022). Based on the available evidence, this alteration is classified as pathogenic.

Blueprint Genetics
Classification: Pathogenic for ANKRD11-related disorders. Last evaluated: 2024-04-10. Review status: criteria provided, single submitter. Criteria: ACMG Guidelines, 2015. Collection method: clinical testing. Allele origin: germline. Affected: yes. Observed: 3 variant alleles.

Institute of Human Genetics, FAU Erlangen, Friedrich-Alexander-Universität Erlangen-Nürnberg
Classification: Pathogenic for KBG syndrome. Last evaluated: 2023-04-19. Review status: criteria provided, single submitter. Criteria: Hauer et al. (Genet Med. 2018). Collection method: clinical testing. Allele origin: germline. Inheritance: Autosomal dominant inheritance. Affected: yes. Observed: 1 variant allele.
Comment: This variant has been identified by standard clinical testing. Selected ACMG criteria: Pathogenic (I):PP5;PM2;PVS1

GeneDx
Classification: Pathogenic. Last evaluated: 2022-07-13. Review status: criteria provided, single submitter. Criteria: GeneDx Variant Classification Process June 2021. Collection method: clinical testing. Allele origin: germline. Affected: yes.
Comment: Frameshift variant predicted to result in protein truncation or nonsense mediated decay in a gene for which loss-of-function is a known mechanism of disease; Not observed at a significant frequency in large population cohorts (gnomAD); This variant is associated with the following publications: (PMID: 31332282, 34971082, 25363768, 28191890, 27824329, 32124548, 31981491, 33917340)

Laboratorio de Genetica e Diagnostico Molecular, Hospital Israelita Albert Einstein
Classification: Pathogenic for KBG syndrome. Last evaluated: 2022-06-17. Review status: criteria provided, single submitter. Criteria: ACMG Guidelines, 2015. Collection method: clinical testing. Allele origin: germline. Affected: yes. Observed: 1 variant allele.
Comment: ACMG classification criteria: PVS1 very strong, PS4 moderated, PM2 moderated, PM6 moderated

Baylor Genetics
Classification: Pathogenic for KBG syndrome. Last evaluated: 2019-01-02. Review status: criteria provided, single submitter. Criteria: ACMG Guidelines, 2015. Collection method: clinical testing. Allele origin: unknown. Affected: yes.
Comment: This variant was determined to be pathogenic according to ACMG Guidelines, 2015 [PMID:25741868]. This variant has been previously reported as disease-causing [PMID 27824329]

Institute of Human Genetics, University of Leipzig Medical Center
Classification: Pathogenic for KBG syndrome. Last evaluated: 2019-01-01. Review status: criteria provided, single submitter. Criteria: ACMG Guidelines, 2015. Collection method: clinical testing. Allele origin: unknown. Affected: yes.

Institute of Human Genetics Munich, TUM University Hospital
Classification: Pathogenic for KBG syndrome. Last evaluated: 2018-03-13. Review status: criteria provided, single submitter. Criteria: Classification criteria August 2017. Collection method: clinical testing. Allele origin: de novo. Inheritance: Autosomal dominant inheritance. Affected: yes. Observed: 1 heterozygote.

Center for Pediatric Genomic Medicine, Children's Mercy Hospital and Clinics
Classification: Likely pathogenic. Last evaluated: 2017-01-27. Review status: criteria provided, single submitter. Criteria: ACMG Guidelines, 2015. Collection method: clinical testing. Allele origin: germline.

Genome Medicine, Institute for Basic Research in Developmental Disabilities
Classification: Pathogenic for KBG syndrome. Review status: criteria provided, single submitter. Criteria: ACMG Guidelines, 2015. Collection method: clinical testing. Allele origin: de novo. Affected: yes. Observed: 1 variant allele.

Molecular Genetics Lab, CHRU Brest
Classification: Likely pathogenic for KBG syndrome. Review status: criteria provided, single submitter. Criteria: ACMG Guidelines, 2015. Collection method: clinical testing. Allele origin: de novo. Affected: yes.

Molecular Genetics Laboratory, BC Children's and BC Women's Hospitals
Classification: Pathogenic for KBG syndrome. Last evaluated: 2016-05-11. Review status: no assertion criteria provided. Criteria: ACMG Guidelines, 2015. Collection method: clinical testing. Allele origin: de novo. Affected: yes. Not counted in ClinVar's aggregate classification.

Joint Genome Diagnostic Labs from Nijmegen and Maastricht, Radboudumc and MUMC+
Classification: Pathogenic. Review status: no assertion criteria provided. Collection method: clinical testing. Allele origin: germline. Affected: yes. Study: VKGL Data-share Consensus. Not counted in ClinVar's aggregate classification.

Laboratory of Diagnostic Genome Analysis, Leiden University Medical Center (LUMC)
Classification: Likely pathogenic. Review status: no assertion criteria provided. Collection method: clinical testing. Allele origin: germline. Affected: yes. Study: VKGL Data-share Consensus. Not counted in ClinVar's aggregate classification.

Literature cited by the submitters: PubMed 42808190 (cited by Umrani?ye Training and Research Hospital); PubMed 21782149 (cited by Labcorp Genetics (formerly Invitae), Labcorp); PubMed 25125236 (cited by Labcorp Genetics (formerly Invitae), Labcorp); PubMed 25413698 (cited by Labcorp Genetics (formerly Invitae), Labcorp); PubMed 25652421 (cited by Labcorp Genetics (formerly Invitae), Labcorp); PubMed 27824329 (cited by Labcorp Genetics (formerly Invitae), Labcorp and Baylor Genetics); PubMed 34971082 (cited by Ambry Genetics); PubMed 35970914 (cited by Ambry Genetics and Genome Medicine, Institute for Basic Research in Developmental Disabilities).

NM_013275.6(ANKRD11):c.2175_2178del (p.Asn725fs)

Gene: ANKRD11 (ankyrin repeat domain 11; minus strand). Cytogenetic location: 16q24.3.
Variant type: Microsatellite.
Coding change: c.2175_2178del on transcript NM_013275.6 (MANE Select); coding-DNA positions 2175 to 2178, 4 bases deleted (CAAA; older notation c.2175_2178delCAAA).
Protein change: p.Asn725fs; shifts the reading frame from asparagine 725.
Molecular consequence: frameshift variant.
Genome position (GRCh38, 1-based): chr16:89,284,364-89,284,367, TTTG deleted on the plus strand (CAAA on the coding strand, the reverse complement: ANKRD11 is on the minus strand); deleting any 4 consecutive bases within chr16:89,284,364-89,284,372 gives the same sequence; the c. name uses the placement nearest the transcript's 3' end. VCF-style (leftmost placement, unchanged base first): chr16-89284363-CTTTG-C. GRCh37 (hg19) VCF-style: chr16-89350771-CTTTG-C.
Other names: NP_037407.4:p.(Asn725LysfsTer23); c.2175_2178delCAAA (NM_013275.5, NM_013275.4); c.2175_2178del (NM_001256182.1, NM_013275.4); c.2175_2178del, p.Asn725fs (NM_001256182.2, NM_001256183.2); short protein forms N725fs.
Identifiers: ClinVar variation 265689 (VCV000265689.29), dbSNP rs886039734, ClinGen allele CA10588634.